The following is an entry in ClinVar:

NM_025150.5(TARS2):c.2053A>G (p.Thr685Ala)

Gene: TARS2 (threonyl-tRNA synthetase 2, mitochondrial; plus strand). Cytogenetic location: 1q21.2.
Variant type: single nucleotide variant.
Coding change: c.2053A>G on transcript NM_025150.5 (MANE Select); coding-DNA position 2053, A replaced by G.
Protein change: p.Thr685Ala; replaces threonine 685 with alanine.
Molecular consequence: missense variant. On other transcripts: non-coding transcript variant (2).
Genome position (GRCh38, 1-based): chr1:150,506,960, A>G. VCF-style: chr1-150506960-A-G. GRCh37 (hg19) VCF-style: chr1-150479436-A-G.
Other names: c.1807A>G, p.Thr603Ala (NM_001271895.2); c.1663A>G, p.Thr555Ala (NM_001271896.2); short protein forms T555A, T603A, T685A.
Identifiers: ClinVar variation 2428824 (VCV002428824.3), dbSNP rs766784890, ClinGen allele CA1077243.
Genomic context (GRCh38, chr1:150,506,960, plus strand): 5'-CTTCCTCTACCTGCAGTGGTTGGCCAGAAAGAGCAAAGTAAGAGAACAGTGAACATTCGG[A>G]CTCGAGATAATCGTCGCCTTGGGGAGTGGGACTTGCCTGAGGCTGTGCAGCGACTGGTGG-3'
Protein context (NP_079426.2, residues 675-695): EQSKRTVNIR[Thr685Ala]RDNRRLGEWD

ClinVar aggregate classification (germline): Uncertain significance (1 of 4 stars; one submission).

Allele frequency attached by ClinVar (database versions not stated): TOPMed 0.00001; ExAC 0.00002.
gnomAD v4.1: 4 of 1,614,028 alleles (0.00025%); highest among the groups gnomAD compares: Admixed American, 0.0067%; no homozygotes.

Submission:

GeneDx
Classification: Uncertain significance. Last evaluated: 2026-10-08. Review status: criteria provided, single submitter. Criteria: GeneDx Variant Classification Process June 2021. Collection method: clinical testing. Allele origin: germline.
Comment: Not observed at significant frequency in large population cohorts (gnomAD); In silico analysis supports that this missense variant has a deleterious effect on protein structure/function; Has not been previously published as pathogenic or benign to our knowledge